The following is an entry in ClinVar:

NM_000383.4(AIRE):c.637C>G (p.Gln213Glu)

Gene: AIRE (autoimmune regulator; plus strand). Cytogenetic location: 21q22.3.
Variant type: single nucleotide variant.
Coding change: c.637C>G on transcript NM_000383.4 (MANE Select); coding-DNA position 637, C replaced by G.
Protein change: p.Gln213Glu; replaces glutamine 213 with glutamic acid.
Molecular consequence: missense variant.
Genome position (GRCh38, 1-based): chr21:44,288,443, C>G. VCF-style: chr21-44288443-C-G. GRCh37 (hg19) VCF-style: chr21-45708326-C-G.
Other names: short protein forms Q213E.
Identifiers: ClinVar variation 1520396 (VCV001520396.6), dbSNP rs1029475010, ClinGen allele CA410424254.
Genomic context (GRCh38, chr21:44,288,443, plus strand): 5'-GCCATGTCCTCCGGGGACGTCCCGGGAGCCCGAGGGGCCGTGGAGGGGATCCTCATCCAG[C>G]AGGTGTTTGAGTCAGGTAGACGCTGTGGCGGGGAGATGGGGCTGATGGGGAGACCCAGGC-3'
Protein context (NP_000374.1, residues 203-223): RGAVEGILIQ[Gln213Glu]VFESGGSKKC

ClinVar aggregate classification (germline): Uncertain significance (1 of 4 stars; one submission).

Conditions:
Polyglandular autoimmune syndrome, type 1 (APS1). Also called: Whitaker syndrome; Autoimmune polyendocrinopathy syndrome , type I, with or without reversible metaphyseal dysplasia; AUTOIMMUNE POLYENDOCRINE SYNDROME, TYPE I, WITH OR WITHOUT REVERSIBLE METAPHYSEAL DYSPLASIA; HYPOADRENOCORTICISM WITH HYPOPARATHYROIDISM AND SUPERFICIAL MONILIASIS; Autoimmune polyendocrine syndrome type 1; PGA I. Identifiers: Orphanet 3453, MedGen C0085859, MONDO:0009411, OMIM 240300.

Submission:

Labcorp Genetics (formerly Invitae), Labcorp
Classification: Uncertain significance for Polyglandular autoimmune syndrome, type 1. Last evaluated: 2022-09-01. Review status: criteria provided, single submitter. Criteria: Invitae Variant Classification Sherloc (09022015). Collection method: clinical testing. Allele origin: germline.
Comment: This variant is not present in population databases (gnomAD no frequency). This sequence change replaces glutamine, which is neutral and polar, with glutamic acid, which is acidic and polar, at codon 213 of the AIRE protein (p.Gln213Glu). This variant has not been reported in the literature in individuals affected with AIRE-related conditions. ClinVar contains an entry for this variant (Variation ID: 1520396). Algorithms developed to predict the effect of missense changes on protein structure and function (SIFT, PolyPhen-2, Align-GVGD) all suggest that this variant is likely to be disruptive. Algorithms developed to predict the effect of sequence changes on RNA splicing suggest that this variant may disrupt the consensus splice site. In summary, the available evidence is currently insufficient to determine the role of this variant in disease. Therefore, it has been classified as a Variant of Uncertain Significance.